The following is an entry in ClinVar:

ClinVar aggregate classification (germline): Likely benign (1 of 4 stars; one submission).

Allele frequency attached by ClinVar (database versions not stated): gnomAD exomes below 0.00001; TOPMed 0.00001; gnomAD 0.00002.
gnomAD v4.1: 9 of 1,613,740 alleles (0.00056%); highest among the groups gnomAD compares: Middle Eastern, 0.049%; no homozygotes.

Submission:

CeGaT Center for Human Genetics Tuebingen
Classification: Likely benign. Last evaluated: 2023-03-01. Review status: criteria provided, single submitter. Criteria: CeGaT Center For Human Genetics Tuebingen Variant Classification Criteria Version 2. Collection method: clinical testing. Allele origin: germline. Affected: yes. Observed: 1 variant allele.
Comment: BAZ1B: BP4, BP7

NM_032408.4(BAZ1B):c.3936C>T (p.Thr1312=)

Gene: BAZ1B (bromodomain adjacent to zinc finger domain 1B; minus strand). Cytogenetic location: 7q11.23.
Variant type: single nucleotide variant.
Coding change: c.3936C>T on transcript NM_032408.4 (MANE Select); coding-DNA position 3936, C replaced by T.
Protein change: p.Thr1312=; no amino-acid change (threonine 1312 retained).
Molecular consequence: synonymous variant.
Genome position (GRCh38, 1-based): chr7:73,444,038, G>A on the plus strand (C>T on the coding strand, the complement: BAZ1B is on the minus strand). VCF-style: chr7-73444038-G-A. GRCh37 (hg19) VCF-style: chr7-72858368-G-A.
Other names: c.3936C>T, p.Thr1312= (NM_001370402.1).
Identifiers: ClinVar variation 2657553 (VCV002657553.24), dbSNP rs1365810559, ClinGen allele CA455854016.
Genomic context (GRCh38, chr7:73,444,038, plus strand): 5'-TCTCACCAGCTCATCCACCTCAGCATCATCCACAGGTGGTGCCTTGGGCTGAGACCTCCT[G>A]GTAGAGTGTGGCTTCTTACCCGGGCGCCGGCCTGACCTTGCTGCAGGGGGGATGACGCTG-3'
Protein context (NP_115784.1, residues 1302-1322): GRRPGKKPHS[Thr1312=]RRSQPKAPPV